The following is an entry in ClinVar:

ClinVar aggregate classification (germline): Uncertain significance (1 of 4 stars; one submission).

Conditions:
Hereditary cancer-predisposing syndrome. Also called: Neoplastic Syndromes, Hereditary; Tumor predisposition; Hereditary Cancer Syndrome; Hereditary neoplastic syndrome. Identifiers: Orphanet 140162, MedGen C0027672, MeSH D009386, MONDO:0015356.

Submission:

Ambry Genetics
Classification: Uncertain significance for Hereditary cancer-predisposing syndrome. Last evaluated: 2023-08-30. Review status: criteria provided, single submitter. Criteria: Ambry Variant Classification Scheme 2023. Collection method: clinical testing. Allele origin: germline.
Comment: The p.S616A variant (also known as c.1846T>G), located in coding exon 4 of the MSH6 gene, results from a T to G substitution at nucleotide position 1846. The serine at codon 616 is replaced by alanine, an amino acid with similar properties. This amino acid position is not well conserved in available vertebrate species, and alanine is the reference amino acid in other vertebrate species. In addition, this alteration is predicted to be tolerated by in silico analysis. Since supporting evidence is limited at this time, the clinical significance of this alteration remains unclear.

NM_000179.3(MSH6):c.1846T>G (p.Ser616Ala)

Gene: MSH6 (mutS homolog 6; plus strand). Cytogenetic location: 2p16.3.
Variant type: single nucleotide variant.
Coding change: c.1846T>G on transcript NM_000179.3 (MANE Select); coding-DNA position 1846, T replaced by G.
Protein change: p.Ser616Ala; replaces serine 616 with alanine.
Molecular consequence: missense variant.
Genome position (GRCh38, 1-based): chr2:47,799,829, T>G. VCF-style: chr2-47799829-T-G. GRCh37 (hg19) VCF-style: chr2-48026968-T-G.
Other names: c.1456T>G, p.Ser486Ala (NM_001281492.2); c.940T>G, p.Ser314Ala (NM_001281493.2, NM_001281494.2); short protein forms S616A, S314A, S486A.
Identifiers: ClinVar variation 820188 (VCV000820188.5), dbSNP rs1572724644, ClinGen allele CA346749669.